The following is an entry in ClinVar:

NM_014363.6(SACS):c.5920G>A (p.Glu1974Lys)

Gene: SACS (sacsin molecular chaperone; minus strand). Cytogenetic location: 13q12.12.
Variant type: single nucleotide variant.
Coding change: c.5920G>A on transcript NM_014363.6 (MANE Select); coding-DNA position 5920, G replaced by A.
Protein change: p.Glu1974Lys; replaces glutamic acid 1974 with lysine.
Molecular consequence: missense variant.
Genome position (GRCh38, 1-based): chr13:23,337,956, C>T on the plus strand (G>A on the coding strand, the complement: SACS is on the minus strand). VCF-style: chr13-23337956-C-T. GRCh37 (hg19) VCF-style: chr13-23912095-C-T.
Other names: c.5479G>A, p.Glu1827Lys (NM_001278055.2); short protein forms E1827K, E1974K.
Identifiers: ClinVar variation 2116842 (VCV002116842.4), dbSNP rs2542258857, ClinGen allele CA387524286.

ClinVar aggregate classification (germline): Uncertain significance (1 of 4 stars; one submission).

Conditions:
Spastic paraplegia. Identifiers: MedGen C0037772, HP:0001258.

Submission:

Labcorp Genetics (formerly Invitae), Labcorp
Classification: Uncertain significance for Spastic paraplegia. Last evaluated: 2022-06-02. Review status: criteria provided, single submitter. Criteria: Invitae Variant Classification Sherloc (09022015). Collection method: clinical testing. Allele origin: germline.
Comment: In summary, the available evidence is currently insufficient to determine the role of this variant in disease. Therefore, it has been classified as a Variant of Uncertain Significance. Advanced modeling of protein sequence and biophysical properties (such as structural, functional, and spatial information, amino acid conservation, physicochemical variation, residue mobility, and thermodynamic stability) performed at Invitae indicates that this missense variant is not expected to disrupt SACS protein function. This variant has not been reported in the literature in individuals affected with SACS-related conditions. This variant is not present in population databases (gnomAD no frequency). This sequence change replaces glutamic acid, which is acidic and polar, with lysine, which is basic and polar, at codon 1974 of the SACS protein (p.Glu1974Lys).